The following is an entry in ClinVar:

ClinVar aggregate classification (germline): Conflicting classifications of pathogenicity. Review status: criteria provided, conflicting classifications (1 of 4 stars). 2 submissions from 2 submitters: Pathogenic (1); Uncertain significance (1). Last evaluated 2025-02-18.

Conditions:
Intellectual disability-severe speech delay-mild dysmorphism syndrome (IDDLA). Also called: Mental retardation with language impairment and autistic features; Intellectual developmental disorder with language impairment AND with or without autistic features; FOXP1 Syndrome. Identifiers: Orphanet 391372, MedGen C4013764, MONDO:0013352, OMIM 613670.

Submissions (2):

3billion
Classification: Uncertain significance for Intellectual disability-severe speech delay-mild dysmorphism syndrome. Last evaluated: 2025-02-18. Review status: criteria provided, single submitter. Criteria: ACMG Guidelines, 2015. Collection method: clinical testing. Allele origin: germline. Affected: yes.
Comment: The variant is not observed in the gnomAD v4.1.0 dataset. Predicted Consequence/Location: Missense variant In silico tool predictions suggest damaging effect of the variant on gene or gene product [REVEL: 0.83 (>=0.6, sensitivity 0.68 and specificity 0.92); 3Cnet: 0.99 (>=0.6, sensitivity 0.72 and precision 0.9)]. The same nucleotide change resulting in the same amino acid change has been previously reported to be associated with FOXP1-related disorder (ClinVar ID: VCV001013484).Different missense changes at the same codon (p.Pro466Ala, p.Pro466Leu) have been reported to be associated with FOXP1-related disorder (ClinVar ID: VCV000374144, VCV003256796). However the evidence of pathogenicity is insufficient at this time. Therefore, this variant is classified as VUS according to the recommendation of ACMG/AMP guideline.

CeGaT Center for Human Genetics Tuebingen
Classification: Pathogenic. Last evaluated: 2020-09-01. Review status: criteria provided, single submitter. Criteria: CeGaT Center For Human Genetics Tuebingen Variant Classification Criteria Version 2. Collection method: clinical testing. Allele origin: germline. Affected: yes. Observed: 1 variant allele.

NM_001349338.3(FOXP1):c.1396C>A (p.Pro466Thr)

Gene: FOXP1 (forkhead box P1; minus strand). Cytogenetic location: 3p13.
Variant type: single nucleotide variant.
Coding change: c.1396C>A on transcript NM_001349338.3 (MANE Select); coding-DNA position 1396, C replaced by A.
Protein change: p.Pro466Thr; replaces proline 466 with threonine.
Molecular consequence: missense variant. On other transcripts: non-coding transcript variant (2).
Genome position (GRCh38, 1-based): chr3:70,977,675, G>T on the plus strand (C>A on the coding strand, the complement: FOXP1 is on the minus strand). VCF-style: chr3-70977675-G-T. GRCh37 (hg19) VCF-style: chr3-71026826-G-T.
Other names: c.1393C>A, p.Pro465Thr (NM_001244808.3, NM_001349341.3); c.1396C>A, p.Pro466Thr (NM_001244810.2, NM_001244814.3, NM_001244816.2 and 2 more transcripts); c.1168C>A, p.Pro390Thr (NM_001244812.3); c.1096C>A, p.Pro366Thr (NM_001244813.3, NM_001244815.2, NM_001349342.3); c.1093C>A, p.Pro365Thr (NM_001349337.2, NM_001349343.3, NM_001349344.3 and 1 more transcripts); short protein forms P365T, P366T, P390T, P465T, P466T.
Identifiers: ClinVar variation 1013484 (VCV001013484.38), dbSNP rs1057518926, ClinGen allele CA353493265.